The following is an entry in ClinVar:

NM_138691.3(TMC1):c.448G>A (p.Ala150Thr)

Gene: TMC1 (transmembrane channel like 1; plus strand). Cytogenetic location: 9q21.13.
Variant type: single nucleotide variant.
Coding change: c.448G>A on transcript NM_138691.3 (MANE Select); coding-DNA position 448, G replaced by A.
Protein change: p.Ala150Thr; replaces alanine 150 with threonine.
Molecular consequence: missense variant.
Genome position (GRCh38, 1-based): chr9:72,740,204, G>A. VCF-style: chr9-72740204-G-A. GRCh37 (hg19) VCF-style: chr9-75355120-G-A.
Other names: short protein forms A150T.
Identifiers: ClinVar variation 517647 (VCV000517647.8), dbSNP rs534560340, ClinGen allele CA5081663.
Genomic context (GRCh38, chr9:72,740,204, plus strand): 5'-AATGAAGGGGCTCTTGGGAAAGGAAAAGGAAAACGGTGGTTTGCATTTAAGATGATGATG[G>A]CCAAGGTAGGTATTTTTATAGTTGTCTGGTTTATGGCATATTGCCTCTAAGAAGAACACT-3'
Protein context (NP_619636.2, residues 140-160): KRWFAFKMMM[Ala150Thr]KKWAKFLRDF

ClinVar aggregate classification (germline): Uncertain significance. Review status: criteria provided, multiple submitters, no conflicts (2 of 4 stars). 4 submissions from 4 submitters: Uncertain significance (4). Last evaluated 2024-08-31.

Conditions:
Inborn genetic diseases. Identifiers: MedGen C0950123, MeSH D030342.

Allele frequency attached by ClinVar (database versions not stated): gnomAD exomes 0.00001 and 0.00002; ExAC 0.00002; gnomAD 0.00015 and 0.00016; TOPMed 0.00017.
gnomAD v4.1: 37 of 1,613,144 alleles (0.0023%); highest among the groups gnomAD compares: African/African-American, 0.047%; no homozygotes.

Submissions (4):

Labcorp Genetics (formerly Invitae), Labcorp
Classification: Uncertain significance. Last evaluated: 2024-08-31. Review status: criteria provided, single submitter. Criteria: Invitae Variant Classification Sherloc (09022015). Collection method: clinical testing. Allele origin: germline.
Comment: This sequence change replaces alanine, which is neutral and non-polar, with threonine, which is neutral and polar, at codon 150 of the TMC1 protein (p.Ala150Thr). This variant is present in population databases (rs534560340, gnomAD 0.04%). This variant has not been reported in the literature in individuals affected with TMC1-related conditions. ClinVar contains an entry for this variant (Variation ID: 517647). Invitae Evidence Modeling of protein sequence and biophysical properties (such as structural, functional, and spatial information, amino acid conservation, physicochemical variation, residue mobility, and thermodynamic stability) indicates that this missense variant is not expected to disrupt TMC1 protein function with a negative predictive value of 95%. In summary, the available evidence is currently insufficient to determine the role of this variant in disease. Therefore, it has been classified as a Variant of Uncertain Significance.

Ambry Genetics
Classification: Uncertain significance for Inborn genetic diseases. Last evaluated: 2024-08-05. Review status: criteria provided, single submitter. Criteria: Ambry Variant Classification Scheme 2023. Collection method: clinical testing. Allele origin: germline.

GeneDx
Classification: Uncertain significance. Last evaluated: 2023-09-08. Review status: criteria provided, single submitter. Criteria: GeneDx Variant Classification Process June 2021. Collection method: clinical testing. Allele origin: germline. Affected: yes.
Comment: In silico analysis supports that this missense variant does not alter protein structure/function; Has not been previously published as pathogenic or benign to our knowledge

Laboratory for Molecular Medicine, Mass General Brigham Personalized Medicine
Classification: Uncertain significance. Last evaluated: 2017-12-11. Review status: criteria provided, single submitter. Criteria: LMM Criteria. Collection method: clinical testing. Allele origin: germline. Observed: 1 variant allele.
Comment: Variant classified as Uncertain Significance - Favor Benign. The p.Ala150Thr var iant in TMC1 has not been previously reported in individuals with hearing loss, but has been identified in 9/24026 African chromosomes by the Genome Aggregation Database (gnomAD; dbSNP rs534560340). Comput ational prediction tools and conservation analysis suggest that the p.Ala150Thr variant may not impact the protein, though this information is not predictive en ough to rule out pathogenicity. In summary, while the clinical significance of t he p.Ala150Thr variant is uncertain, these data suggest that it is more likely t o be benign. ACMG/AMP Criteria applied: BP4.